The following is an entry in ClinVar:

NM_020297.4(ABCC9):c.1455T>G (p.Leu485=)

Gene: ABCC9 (ATP binding cassette subfamily C member 9; minus strand). Cytogenetic location: 12p12.1.
Variant type: single nucleotide variant.
Coding change: c.1455T>G on transcript NM_020297.4 (MANE Select); coding-DNA position 1455, T replaced by G.
Protein change: p.Leu485=; no amino-acid change (leucine 485 retained).
Molecular consequence: synonymous variant.
Genome position (GRCh38, 1-based): chr12:21,908,077, A>C on the plus strand (T>G on the coding strand, the complement: ABCC9 is on the minus strand). VCF-style: chr12-21908077-A-C. GRCh37 (hg19) VCF-style: chr12-22061011-A-C.
Other names: c.1455T>G, p.Leu485= (NM_001377273.1, NM_005691.4); c.591T>G, p.Leu197= (NM_001377274.1).
Identifiers: ClinVar variation 390865 (VCV000390865.1), dbSNP rs1057523907, ClinGen allele CA16606498.

ClinVar aggregate classification (germline): Likely benign (1 of 4 stars; one submission).

Submission:

GeneDx
Classification: Likely benign. Last evaluated: 2016-11-16. Review status: criteria provided, single submitter. Criteria: GeneDx Variant Classification (06012015). Collection method: clinical testing. Allele origin: germline. Affected: yes.
Comment: This variant is considered likely benign or benign based on one or more of the following criteria: it is a conservative change, it occurs at a poorly conserved position in the protein, it is predicted to be benign by multiple in silico algorithms, and/or has population frequency not consistent with disease.